The following is an entry in ClinVar:

NM_004933.3(CDH15):c.1464G>C (p.Pro488=)

Gene: CDH15 (cadherin 15; plus strand). Cytogenetic location: 16q24.3.
Variant type: single nucleotide variant.
Coding change: c.1464G>C on transcript NM_004933.3 (MANE Select); coding-DNA position 1464, G replaced by C.
Protein change: p.Pro488=; no amino-acid change (proline 488 retained).
Molecular consequence: synonymous variant.
Genome position (GRCh38, 1-based): chr16:89,191,743, G>C. VCF-style: chr16-89191743-G-C. GRCh37 (hg19) VCF-style: chr16-89258151-G-C.
Identifiers: ClinVar variation 2647034 (VCV002647034.24), dbSNP rs764511057, ClinGen allele CA497370541.

ClinVar aggregate classification (germline): Likely benign (1 of 4 stars; one submission).

gnomAD v4.1: 6 of 1,604,680 alleles (0.00037%); highest among the groups gnomAD compares: Non-Finnish European, 0.00051%; no homozygotes.

Submission:

CeGaT Center for Human Genetics Tuebingen
Classification: Likely benign. Last evaluated: 2022-08-01. Review status: criteria provided, single submitter. Criteria: CeGaT Center For Human Genetics Tuebingen Variant Classification Criteria Version 2. Collection method: clinical testing. Allele origin: germline. Affected: yes. Observed: 1 variant allele.
Comment: CDH15: PM2:Supporting, BP4, BP7